The following is an entry in ClinVar:

ClinVar aggregate classification (germline): Benign/Likely benign. Review status: criteria provided, multiple submitters, no conflicts (2 of 4 stars). 28 submissions from 21 submitters: Benign (16); Likely benign (7). 5 of the submissions do not count toward it. Last evaluated 2026-09-01.

Conditions:
Dilated cardiomyopathy 1G (CMD1G). Identifiers: Orphanet 154, MedGen C1858763, MONDO:0011400, OMIM 604145.
Autosomal recessive limb-girdle muscular dystrophy type 2J (LGMDR10). Also called: MUSCULAR DYSTROPHY, LIMB-GIRDLE, AUTOSOMAL RECESSIVE 10; Limb-girdle muscular dystrophy, type 2J. Identifiers: Orphanet 140922, MedGen C1837342, MONDO:0012127, OMIM 608807.
Cardiovascular phenotype. Identifiers: MedGen CN230736.
Cardiomyopathy (CMYO). Also called: Cardiomyopathies. Identifiers: Orphanet 167848, MedGen C0878544, MONDO:0004994, HP:0001638. Inheritance: Various modes of inheritance.
Early-onset myopathy with fatal cardiomyopathy (CMYO5). Also called: CONGENITAL MYOPATHY 5 WITH CARDIOMYOPATHY; Salih Myopathy. Identifiers: Orphanet 289377, MedGen C2673677, MONDO:0012714, OMIM 611705. Disease mechanism: loss of function.
Myopathy, myofibrillar, 9, with early respiratory failure (MFM9). Also called: Myopathy, distal, with early respiratory failure, autosomal dominant; Hereditary myopathy with early respiratory failure; MYOPATHY, PROXIMAL, WITH EARLY RESPIRATORY MUSCLE INVOLVEMENT; EDSTROM MYOPATHY. Identifiers: Orphanet 178464, Orphanet 34521, MedGen C1863599, MONDO:0011362, OMIM 603689.
Tibial muscular dystrophy (TMD). Also called: Udd Distal Myopathy – Tibial Muscular Dystrophy; Tibial muscular dystrophy, tardive; UDD MYOPATHY. Identifiers: Orphanet 609, MedGen C1838244, MONDO:0010870, OMIM 600334.

Allele frequency attached by ClinVar (database versions not stated): ESP Exome Variant Server 0.00869; 1000 Genomes Project 0.00319; TOPMed 0.00680; ExAC 0.00888; gnomAD 0.00798 and 0.00808; 1000 Genomes Project 30x 0.00390; gnomAD exomes 0.00891 and 0.00996.
gnomAD v4.1: 15,762 of 1,613,934 alleles (0.98%); highest among the groups gnomAD compares: Non-Finnish European, 1.1%; 107 homozygotes.

Submissions (28):

CeGaT Center for Human Genetics Tuebingen
Classification: Benign. Last evaluated: 2026-09-01. Review status: criteria provided, single submitter. Criteria: CeGaT Center For Human Genetics Tuebingen Variant Classification Criteria Version 2. Collection method: clinical testing. Allele origin: germline. Affected: yes. Observed: 113 variant alleles.
Comment: TTN: BP4, BP7, BS1, BS2

Labcorp Genetics (formerly Invitae), Labcorp
Classification: Benign for Dilated cardiomyopathy 1G; Autosomal recessive limb-girdle muscular dystrophy type 2J. Last evaluated: 2026-02-03. Review status: criteria provided, single submitter. Criteria: Invitae Variant Classification Sherloc (09022015). Collection method: clinical testing. Allele origin: germline.

Molecular Diagnostic Laboratory for Inherited Cardiovascular Disease, Montreal Heart Institute
Classification: Benign. Last evaluated: 2025-04-09. Review status: criteria provided, single submitter. Criteria: ACMG Guidelines, 2015. Collection method: clinical testing. Allele origin: germline. Affected: no.

Blueprint Genetics
Classification: Likely benign. Last evaluated: 2024-11-26. Review status: criteria provided, single submitter. Criteria: ACMG Guidelines, 2015. Collection method: clinical testing. Allele origin: germline.

Athena Diagnostics
Classification: Benign. Last evaluated: 2024-03-07. Review status: criteria provided, single submitter. Criteria: Athena Diagnostics Criteria. Collection method: clinical testing. Allele origin: unknown.

ARUP Laboratories, Molecular Genetics and Genomics, ARUP Laboratories
Classification: Benign. Last evaluated: 2023-10-19. Review status: criteria provided, single submitter. Criteria: ARUP Molecular Germline Variant Investigation Process 2024. Collection method: clinical testing. Allele origin: germline.

Genome-Nilou Lab
Classification: Benign for Autosomal recessive limb-girdle muscular dystrophy type 2J. Last evaluated: 2021-09-10. Review status: criteria provided, single submitter. Criteria: ACMG Guidelines, 2015. Collection method: clinical testing. Allele origin: germline. Affected: no.

Genome-Nilou Lab
Classification: Benign for Myopathy, myofibrillar, 9, with early respiratory failure. Last evaluated: 2021-09-10. Review status: criteria provided, single submitter. Criteria: ACMG Guidelines, 2015. Collection method: clinical testing. Allele origin: germline. Affected: no.

Genome-Nilou Lab
Classification: Benign for Early-onset myopathy with fatal cardiomyopathy. Last evaluated: 2021-09-10. Review status: criteria provided, single submitter. Criteria: ACMG Guidelines, 2015. Collection method: clinical testing. Allele origin: germline. Affected: no.

Genome-Nilou Lab
Classification: Benign for Tibial muscular dystrophy. Last evaluated: 2021-09-10. Review status: criteria provided, single submitter. Criteria: ACMG Guidelines, 2015. Collection method: clinical testing. Allele origin: germline. Affected: no.

Women's Health and Genetics/Laboratory Corporation of America, LabCorp
Classification: Benign. Last evaluated: 2019-08-09. Review status: criteria provided, single submitter. Criteria: LabCorp Variant Classification Summary - May 2015. Collection method: clinical testing. Allele origin: germline.

Illumina Laboratory Services, Illumina
Classification: Likely benign for Dilated cardiomyopathy 1G. Last evaluated: 2018-01-13. Review status: criteria provided, single submitter. Criteria: ICSL Variant Classification Criteria 13 December 2019. Collection method: clinical testing. Allele origin: germline.
Comment: This variant was observed in the ICSL laboratory as part of a predisposition screen in an ostensibly healthy population. It had not been previously curated by ICSL or reported in the Human Gene Mutation Database (HGMD: prior to June 1st, 2018), and was therefore a candidate for classification through an automated scoring system. Utilizing variant allele frequency, disease prevalence and penetrance estimates, and inheritance mode, an automated score was calculated to assess if this variant is too frequent to cause the disease. Based on the score and internal cut-off values, a variant classified as likely benign is not then subjected to further curation. The score for this variant resulted in a classification of likely benign for this disease.

Illumina Laboratory Services, Illumina
Classification: Likely benign for Early-onset myopathy with fatal cardiomyopathy. Last evaluated: 2018-01-13. Review status: criteria provided, single submitter. Criteria: ICSL Variant Classification Criteria 13 December 2019. Collection method: clinical testing. Allele origin: germline.
Comment: the same text as in the submission from Illumina Laboratory Services, Illumina above.

Illumina Laboratory Services, Illumina
Classification: Benign for Myopathy, myofibrillar, 9, with early respiratory failure. Last evaluated: 2018-01-13. Review status: criteria provided, single submitter. Criteria: ICSL Variant Classification Criteria 13 December 2019. Collection method: clinical testing. Allele origin: germline.
Comment: This variant was observed in the ICSL laboratory as part of a predisposition screen in an ostensibly healthy population. It had not been previously curated by ICSL or reported in the Human Gene Mutation Database (HGMD: prior to June 1st, 2018), and was therefore a candidate for classification through an automated scoring system. Utilizing variant allele frequency, disease prevalence and penetrance estimates, and inheritance mode, an automated score was calculated to assess if this variant is too frequent to cause the disease. Based on the score and internal cut-off values, a variant classified as benign is not then subjected to further curation. The score for this variant resulted in a classification of benign for this disease.

Illumina Laboratory Services, Illumina
Classification: Benign for Tibial muscular dystrophy. Last evaluated: 2018-01-13. Review status: criteria provided, single submitter. Criteria: ICSL Variant Classification Criteria 13 December 2019. Collection method: clinical testing. Allele origin: germline.
Comment: the same text as in the submission from Illumina Laboratory Services, Illumina above.

Illumina Laboratory Services, Illumina
Classification: Likely benign for Autosomal recessive limb-girdle muscular dystrophy type 2J. Last evaluated: 2018-01-13. Review status: criteria provided, single submitter. Criteria: ICSL Variant Classification Criteria 13 December 2019. Collection method: clinical testing. Allele origin: germline.
Comment: the same text as in the submission from Illumina Laboratory Services, Illumina above.

Mayo Clinic Laboratories, Mayo Clinic
Classification: Benign. Last evaluated: 2018-01-12. Review status: criteria provided, single submitter. Criteria: ACMG Guidelines, 2015. Collection method: clinical testing. Allele origin: germline. Observed: 40 variant alleles.

CHEO Genetics Diagnostic Laboratory, Children's Hospital of Eastern Ontario
Classification: Benign for Cardiomyopathy. Last evaluated: 2016-05-09. Review status: criteria provided, single submitter. Criteria: ACMG Guidelines, 2015. Collection method: clinical testing. Allele origin: germline. Study: Canadian Open Genetics Repository.

GeneDx
Classification: Benign. Last evaluated: 2012-12-21. Review status: criteria provided, single submitter. Criteria: GeneDx Variant Classification (06012015). Collection method: clinical testing. Allele origin: germline. Affected: yes.
Comment: This variant is considered likely benign or benign based on one or more of the following criteria: it is a conservative change, it occurs at a poorly conserved position in the protein, it is predicted to be benign by multiple in silico algorithms, and/or has population frequency not consistent with disease.

Ambry Genetics
Classification: Likely benign for Cardiovascular phenotype. Last evaluated: 2012-07-29. Review status: criteria provided, single submitter. Criteria: Ambry Autosomal Dominant and X-Linked criteria (10/2015). Collection method: clinical testing. Allele origin: germline. Observed: 1 variant allele.

Laboratory for Molecular Medicine, Mass General Brigham Personalized Medicine
Classification: Benign. Last evaluated: 2012-04-03. Review status: criteria provided, single submitter. Criteria: LMM Criteria. Collection method: clinical testing. Allele origin: germline. Observed: 28 variant alleles.

Breakthrough Genomics
Classification: Likely benign. Review status: criteria provided, single submitter. Criteria: ACMG Guidelines, 2015. Collection method: not provided. Allele origin: germline. Inheritance: Autosomal recessive inheritance. Affected: yes.

PreventionGenetics, part of Exact Sciences
Classification: Likely benign. Review status: criteria provided, single submitter. Criteria: ACMG Guidelines, 2015. Collection method: clinical testing. Allele origin: germline.

Clinical Genetics DNA and cytogenetics Diagnostics Lab, Erasmus MC, Erasmus Medical Center
Classification: Benign. Review status: no assertion criteria provided. Collection method: clinical testing. Allele origin: germline. Affected: yes. Study: VKGL Data-share Consensus. Not counted in ClinVar's aggregate classification.

Clinical Genetics, Academic Medical Center
Classification: Benign. Review status: no assertion criteria provided. Collection method: clinical testing. Allele origin: germline. Affected: yes. Study: VKGL Data-share Consensus. Not counted in ClinVar's aggregate classification.

Diagnostic Laboratory, Department of Genetics, University Medical Center Groningen
Classification: Likely benign. Review status: no assertion criteria provided. Collection method: clinical testing. Allele origin: germline. Affected: yes. Study: VKGL Data-share Consensus. Not counted in ClinVar's aggregate classification.

Joint Genome Diagnostic Labs from Nijmegen and Maastricht, Radboudumc and MUMC+
Classification: Benign. Review status: no assertion criteria provided. Collection method: clinical testing. Allele origin: germline. Affected: yes. Study: VKGL Data-share Consensus. Not counted in ClinVar's aggregate classification.

Laboratory of Diagnostic Genome Analysis, Leiden University Medical Center (LUMC)
Classification: Likely benign. Review status: no assertion criteria provided. Collection method: clinical testing. Allele origin: germline. Affected: yes. Study: VKGL Data-share Consensus. Not counted in ClinVar's aggregate classification.

Literature cited by the submitters: PubMed 17344846 (cited by Athena Diagnostics).

NM_001267550.2(TTN):c.105468G>A (p.Pro35156=)

Genes: TTN (titin; minus strand), TTN-AS1 (TTN antisense RNA 1; plus strand). Cytogenetic location: 2q31.2.
Variant type: single nucleotide variant.
Coding change: c.105468G>A on transcript NM_001267550.2 (MANE Select); coding-DNA position 105468, G replaced by A.
Protein change: p.Pro35156=; no amino-acid change (proline 35156 retained).
Molecular consequence: synonymous variant.
Genome position (GRCh38, 1-based): chr2:178,531,147, C>T on the plus strand (G>A on the coding strand, the complement: TTN is on the minus strand). VCF-style: chr2-178531147-C-T. GRCh37 (hg19) VCF-style: chr2-179395874-C-T.
Other names: p.P33515P:CCG>CCA; p.Pro32588=; c.100545G>A, p.Pro33515= (NM_001256850.1); c.78273G>A, p.Pro26091= (NM_003319.4); c.97764G>A, p.Pro32588= (NM_133378.4); c.78648G>A, p.Pro26216= (NM_133432.3); c.78849G>A, p.Pro26283= (NM_133437.4).
Identifiers: ClinVar variation 47691 (VCV000047691.110), dbSNP rs55806007, ClinGen allele CA284321.